The following is an entry in ClinVar:

ClinVar aggregate classification (germline): Uncertain significance. Review status: criteria provided, multiple submitters, no conflicts (2 of 4 stars). 4 submissions from 4 submitters: Uncertain significance (4). Last evaluated 2024-03-07.

Conditions:
Familial thoracic aortic aneurysm and aortic dissection (TAAD). Also called: Thoracic aortic aneurysms and dissections. Identifiers: Orphanet 91387, MedGen C4707243, MONDO:0019625.
Aortic aneurysm, familial thoracic 4 (AAT4). Also called: AORTIC ANEURYSM/AORTIC DISSECTION AND PATENT DUCTUS ARTERIOSUS. Identifiers: MedGen C1851504, MONDO:0007568, OMIM 132900.

Allele frequency attached by ClinVar (database versions not stated): TOPMed 0.00002.
gnomAD v4.1: 8 of 1,614,132 alleles (0.0005%); highest among the groups gnomAD compares: African/African-American, 0.0027%; no homozygotes.

Submissions (4):

Color Diagnostics, LLC DBA Color Health
Classification: Uncertain significance for Familial thoracic aortic aneurysm and aortic dissection. Last evaluated: 2024-03-07. Review status: criteria provided, single submitter. Criteria: ACMG Guidelines, 2015. Collection method: clinical testing. Allele origin: germline.
Comment: This missense variant replaces alanine with serine at codon 1140 of the MYH11 protein. Computational prediction suggests that this variant may not impact protein structure and function (internally defined REVEL score threshold <= 0.5, PMID: 27666373). To our knowledge, functional studies have not been reported for this variant. This variant has not been reported in individuals affected with MYH11-related disorders in the literature. This variant has been identified in 1/251480 chromosomes in the general population by the Genome Aggregation Database (gnomAD). The available evidence is insufficient to determine the role of this variant in disease conclusively. Therefore, this variant is classified as a Variant of Uncertain Significance.

All of Us Research Program, National Institutes of Health
Classification: Uncertain significance for Familial thoracic aortic aneurysm and aortic dissection. Last evaluated: 2023-12-18. Review status: criteria provided, single submitter. Criteria: ACMG Guidelines, 2015. Collection method: clinical testing. Allele origin: germline. Inheritance: Autosomal dominant inheritance. Observed: 2 variant alleles, 2 heterozygotes.
Comment: This missense variant replaces alanine with serine at codon 1140 of the MYH11 protein. Computational prediction suggests that this variant may not impact protein structure and function (internally defined REVEL score threshold <= 0.5, PMID: 27666373). To our knowledge, functional studies have not been reported for this variant. This variant has not been reported in individuals affected with cardiovascular disorders in the literature. This variant has been identified in 1/251480 chromosomes in the general population by the Genome Aggregation Database (gnomAD). The available evidence is insufficient to determine the role of this variant in disease conclusively. Therefore, this variant is classified as a Variant of Uncertain Significance.

This study involves interpretation of variants in research participants for the purpose of population health screening. Participant phenotype was not available at the time of variant classification. Additional details can be found in publication PMID: 35346344, PMCID: PMC8962531

Blueprint Genetics
Classification: Uncertain significance. Last evaluated: 2022-07-06. Review status: criteria provided, single submitter. Criteria: ACMG Guidelines, 2015. Collection method: clinical testing. Allele origin: germline.

Labcorp Genetics (formerly Invitae), Labcorp
Classification: Uncertain significance for Aortic aneurysm, familial thoracic 4. Last evaluated: 2021-08-26. Review status: criteria provided, single submitter. Criteria: Invitae Variant Classification Sherloc (09022015). Collection method: clinical testing. Allele origin: germline.

NM_002474.3(MYH11):c.3397G>T (p.Ala1133Ser)

Gene: MYH11 (myosin heavy chain 11; minus strand). Cytogenetic location: 16p13.11.
Variant type: single nucleotide variant.
Coding change: c.3397G>T on transcript NM_002474.3 (MANE Select); coding-DNA position 3397, G replaced by T.
Protein change: p.Ala1133Ser; replaces alanine 1133 with serine.
Molecular consequence: missense variant.
Genome position (GRCh38, 1-based): chr16:15,735,475, C>A on the plus strand (G>T on the coding strand, the complement: MYH11 is on the minus strand). VCF-style: chr16-15735475-C-A. GRCh37 (hg19) VCF-style: chr16-15829332-C-A.
Other names: c.3418G>T, p.Ala1140Ser (NM_001040113.2, NM_001040114.2); c.3397G>T, p.Ala1133Ser (NM_022844.3); short protein forms A1133S, A1140S.
Identifiers: ClinVar variation 636874 (VCV000636874.12), dbSNP rs148731225, ClinGen allele CA278621167.
Genomic context (GRCh38, chr16:15,735,475, plus strand): 5'-TCTTTAGGGCCTCCAGCTCCTCGCCGAGGTCTCGCTTCTGCTTTTCAGCCTTGTTCCTGG[C>A]GGCCCGCTCTGAGTCCAGGTCCTCCTGGAGGTCTGAGATGTGGCCCTCCAGCTCCCGGAT-3'
Protein context (NP_002465.1, residues 1123-1143): LQEDLDSERA[Ala1133Ser]RNKAEKQKRD